The following is an entry in ClinVar:

ClinVar aggregate classification (germline): Uncertain significance. Review status: criteria provided, multiple submitters, no conflicts (2 of 4 stars). 2 submissions from 2 submitters: Uncertain significance (2). Last evaluated 2025-06-19.

Conditions:
Cardiovascular phenotype. Identifiers: MedGen CN230736.
Familial hypercholesterolemia. Also called: Familial hypercholesterolaemia. Identifiers: MedGen C0020445, MONDO:0005439.

gnomAD v4.1: 4 of 1,611,424 alleles (0.00025%); highest among the groups gnomAD compares: Non-Finnish European, 0.00034%; no homozygotes.

Submissions (2):

Cambridge Genomics Laboratory, East Genomic Laboratory Hub, NHS Genomic Medicine Service
Classification: Uncertain significance for Familial hypercholesterolaemia. Last evaluated: 2025-06-19. Review status: criteria provided, single submitter. Criteria: ACGS Best Practice Guidelines for Variant Classification in Rare Disease 2020. Collection method: clinical testing. Allele origin: germline. Affected: yes.
Comment: PM2,PP4,BP4

Ambry Genetics
Classification: Uncertain significance for Cardiovascular phenotype. Last evaluated: 2017-12-14. Review status: criteria provided, single submitter. Criteria: Ambry Variant Classification Scheme 2023. Collection method: clinical testing. Allele origin: germline.
Comment: The p.K4358N variant (also known as c.13074G>C), located in coding exon 29 of the APOB gene, results from a G to C substitution at nucleotide position 13074. The lysine at codon 4358 is replaced by asparagine, an amino acid with similar properties. This amino acid position is poorly conserved in available vertebrate species. In addition, this alteration is predicted to be tolerated by in silico analysis. Since supporting evidence is limited at this time, the clinical significance of this alteration remains unclear.

NM_000384.3(APOB):c.13074G>C (p.Lys4358Asn)

Gene: APOB (apolipoprotein B; minus strand). Cytogenetic location: 2p24.1.
Variant type: single nucleotide variant.
Coding change: c.13074G>C on transcript NM_000384.3 (MANE Select); coding-DNA position 13074, G replaced by C.
Protein change: p.Lys4358Asn; replaces lysine 4358 with asparagine.
Molecular consequence: missense variant.
Genome position (GRCh38, 1-based): chr2:21,002,348, C>G on the plus strand (G>C on the coding strand, the complement: APOB is on the minus strand). VCF-style: chr2-21002348-C-G. GRCh37 (hg19) VCF-style: chr2-21225220-C-G.
Other names: short protein forms K4358N.
Identifiers: ClinVar variation 1769539 (VCV001769539.3), dbSNP rs1663006064, ClinGen allele CA345969517.